The following is an entry in ClinVar:

NM_001135649.3(FOXI3):c.820G>C (p.Glu274Gln)

Gene: FOXI3 (forkhead box I3; minus strand). Cytogenetic location: 2p11.2.
Variant type: single nucleotide variant.
Coding change: c.820G>C on transcript NM_001135649.3 (MANE Select); coding-DNA position 820, G replaced by C.
Protein change: p.Glu274Gln; replaces glutamic acid 274 with glutamine.
Molecular consequence: missense variant.
Genome position (GRCh38, 1-based): chr2:88,448,650, C>G on the plus strand (G>C on the coding strand, the complement: FOXI3 is on the minus strand). VCF-style: chr2-88448650-C-G. GRCh37 (hg19) VCF-style: chr2-88748169-C-G.
Other names: short protein forms E274Q.
Identifiers: ClinVar variation 1944541 (VCV001944541.5), dbSNP rs2528910143, ClinGen allele CA347765211.

ClinVar aggregate classification (germline): Uncertain significance (1 of 4 stars; one submission).

Submission:

Labcorp Genetics (formerly Invitae), Labcorp
Classification: Uncertain significance. Last evaluated: 2025-10-29. Review status: criteria provided, single submitter. Criteria: Invitae Variant Classification Sherloc (09022015). Collection method: clinical testing. Allele origin: germline.
Comment: This sequence change replaces glutamic acid, which is acidic and polar, with glutamine, which is neutral and polar, at codon 274 of the FOXI3 protein (p.Glu274Gln). This variant is not present in population databases (gnomAD no frequency). This variant has not been reported in the literature in individuals affected with FOXI3-related conditions. ClinVar contains an entry for this variant (Variation ID: 1944541). Experimental studies and prediction algorithms are not available or were not evaluated, and the functional significance of this variant is currently unknown. In summary, the available evidence is currently insufficient to determine the role of this variant in disease. Therefore, it has been classified as a Variant of Uncertain Significance.